The following is an entry in ClinVar:

ClinVar aggregate classification (germline): Uncertain significance. Review status: criteria provided, multiple submitters, no conflicts (2 of 4 stars). 2 submissions from 2 submitters: Uncertain significance (2). Last evaluated 2022-02-04.

Conditions:
Neuronopathy, distal hereditary motor, type 2D. Also called: HMN IID; SPINAL MUSCULAR ATROPHY, DISTAL, AUTOSOMAL DOMINANT, CALF-PREDOMINANT; NEURONOPATHY, DISTAL HEREDITARY MOTOR, AUTOSOMAL DOMINANT 6; NEURONOPATHY, DISTAL HEREDITARY MOTOR, HARDING TYPE IID; NEUROPATHY, DISTAL HEREDITARY MOTOR, HARDING TYPE IID. Identifiers: Orphanet 139525, MedGen C3888271, MONDO:0014259, OMIM 615575.
Distal hereditary motor neuropathy type 2. Identifiers: Orphanet 139525, MedGen C3711384, MeSH C580044, MONDO:0015352.

Allele frequency attached by ClinVar (database versions not stated): gnomAD exomes 0.00002 and 0.00003; ExAC 0.00003.

Submissions (2):

Labcorp Genetics (formerly Invitae), Labcorp
Classification: Uncertain significance for Distal hereditary motor neuropathy type 2. Last evaluated: 2022-02-04. Review status: criteria provided, single submitter. Criteria: Invitae Variant Classification Sherloc (09022015). Collection method: clinical testing. Allele origin: germline.
Comment: This sequence change replaces glutamic acid, which is acidic and polar, with alanine, which is neutral and non-polar, at codon 599 of the FBXO38 protein (p.Glu599Ala). This variant is present in population databases (rs781374639, gnomAD 0.02%). This variant has not been reported in the literature in individuals affected with FBXO38-related conditions. ClinVar contains an entry for this variant (Variation ID: 964250). Algorithms developed to predict the effect of missense changes on protein structure and function are either unavailable or do not agree on the potential impact of this missense change (SIFT: "Deleterious"; PolyPhen-2: "Probably Damaging"; Align-GVGD: "Class C0"). In summary, the available evidence is currently insufficient to determine the role of this variant in disease. Therefore, it has been classified as a Variant of Uncertain Significance.

Neuberg Centre For Genomic Medicine, NCGM
Classification: Uncertain significance for Neuronopathy, distal hereditary motor, type 2D. Review status: criteria provided, single submitter. Criteria: ACMG Guidelines, 2015. Collection method: clinical testing. Allele origin: germline. Affected: yes.
Comment: The missense variant p.E599A in FBXO38 (NM_030793.5) has not been reported previously as a pathogenic variant nor as a benign variant, to our knowledge. It has been submitted to ClinVar as Uncertain significance, but has not been reported in literature in affected individuals. The missense variant c.1796A>C (p.E599A) in FBXO38 (NM_030793.5) is observed in 6/30612 (0.0196%) alleles from individuals of South Asian background in the gnomAD dataset (Exome Aggregation Consortium et al., 2016), but was not seen in the homozygous state. There is a moderate physicochemical difference between glutamic acid and alanine. The p.E599A missense variant is predicted to be damaging by both SIFT and PolyPhen2. The nucleotide c.1796 in FBXO38 is predicted conserved by GERP++ and PhyloP across 100 vertebrates. For these reasons, this variant has been classified as Uncertain Significance.

NM_205836.3(FBXO38):c.1796A>C (p.Glu599Ala)

Gene: FBXO38 (F-box protein 38; plus strand). Cytogenetic location: 5q32.
Variant type: single nucleotide variant.
Coding change: c.1796A>C on transcript NM_205836.3 (MANE Select); coding-DNA position 1796, A replaced by C.
Protein change: p.Glu599Ala; replaces glutamic acid 599 with alanine.
Molecular consequence: missense variant.
Genome position (GRCh38, 1-based): chr5:148,425,579, A>C. VCF-style: chr5-148425579-A-C. GRCh37 (hg19) VCF-style: chr5-147805142-A-C.
Other names: c.1796A>C, p.Glu599Ala (NM_001271723.2, NM_030793.5); short protein forms E599A.
Identifiers: ClinVar variation 964250 (VCV000964250.12), dbSNP rs781374639, ClinGen allele CA3497384.